The following is an entry in ClinVar:

NM_005602.6(CLDN11):c.319C>G (p.Arg107Gly)

Gene: CLDN11 (claudin 11; plus strand). Cytogenetic location: 3q26.2.
Variant type: single nucleotide variant.
Coding change: c.319C>G on transcript NM_005602.6 (MANE Select); coding-DNA position 319, C replaced by G.
Protein change: p.Arg107Gly; replaces arginine 107 with glycine.
Molecular consequence: missense variant.
Genome position (GRCh38, 1-based): chr3:170,423,255, C>G. VCF-style: chr3-170423255-C-G. GRCh37 (hg19) VCF-style: chr3-170141043-C-G.
Other names: c.67C>G, p.Arg23Gly (NM_001185056.2); short protein forms R107G, R23G.
Identifiers: ClinVar variation 3778594 (VCV003778594.7).

ClinVar aggregate classification (germline): Uncertain significance (1 of 4 stars; one submission).

Submission:

CeGaT Center for Human Genetics Tuebingen
Classification: Uncertain significance. Last evaluated: 2025-03-01. Review status: criteria provided, single submitter. Criteria: CeGaT Center For Human Genetics Tuebingen Variant Classification Criteria Version 2. Collection method: clinical testing. Allele origin: germline. Affected: yes. Observed: 1 variant allele.
Comment: CLDN11: PM2